The following is an entry in ClinVar:

ClinVar aggregate classification (germline): Pathogenic (1 of 4 stars; one submission).

Conditions:
Multiple congenital exostosis (EXT). Also called: MULTIPLE CARTILAGINOUS EXOSTOSES; Hereditary multiple exostoses; Hereditary multiple exostosis; Multiple osteochondromas; Hereditary multiple osteochondromas; Multiple exostoses. Identifiers: Orphanet 321, MedGen C0015306, MONDO:0005508, HP:0002762.

Submission:

Labcorp Genetics (formerly Invitae), Labcorp
Classification: Pathogenic for Multiple congenital exostosis. Last evaluated: 2022-09-01. Review status: criteria provided, single submitter. Criteria: Invitae Variant Classification Sherloc (09022015). Collection method: clinical testing. Allele origin: germline.
Comment: For these reasons, this variant has been classified as Pathogenic. This variant disrupts the p.Arg346 amino acid residue in EXT1. Other variant(s) that disrupt this residue have been determined to be pathogenic (PMID: 17301954, 19810120, 24532482). This suggests that this residue is clinically significant, and that variants that disrupt this residue are likely to be disease-causing. Advanced modeling of protein sequence and biophysical properties (such as structural, functional, and spatial information, amino acid conservation, physicochemical variation, residue mobility, and thermodynamic stability) performed at Invitae indicates that this missense variant is expected to disrupt EXT1 protein function. ClinVar contains an entry for this variant (Variation ID: 853602). This missense change has been observed in individual(s) with clinical features of hereditary multiple osteochondromas (Invitae). This variant is not present in population databases (gnomAD no frequency). This sequence change replaces arginine, which is basic and polar, with isoleucine, which is neutral and non-polar, at codon 346 of the EXT1 protein (p.Arg346Ile).

Literature cited by the submitters: PubMed 17301954; PubMed 19810120; PubMed 24532482.

NM_000127.3(EXT1):c.1037G>T (p.Arg346Ile)

Gene: EXT1 (exostosin glycosyltransferase 1; minus strand). Cytogenetic location: 8q24.11.
Variant type: single nucleotide variant.
Coding change: c.1037G>T on transcript NM_000127.3 (MANE Select); coding-DNA position 1037, G replaced by T.
Protein change: p.Arg346Ile; replaces arginine 346 with isoleucine.
Molecular consequence: missense variant.
Genome position (GRCh38, 1-based): chr8:117,837,127, C>A on the plus strand (G>T on the coding strand, the complement: EXT1 is on the minus strand). VCF-style: chr8-117837127-C-A. GRCh37 (hg19) VCF-style: chr8-118849366-C-A.
Other names: short protein forms R346I.
Identifiers: ClinVar variation 853602 (VCV000853602.9), dbSNP rs1812200035, ClinGen allele CA371893251.